The following is an entry in ClinVar:

NM_000540.3(RYR1):c.10881G>C (p.Gln3627His)

Gene: RYR1 (ryanodine receptor 1; plus strand). Cytogenetic location: 19q13.2.
Variant type: single nucleotide variant.
Coding change: c.10881G>C on transcript NM_000540.3 (MANE Select); coding-DNA position 10881, G replaced by C.
Protein change: p.Gln3627His; replaces glutamine 3627 with histidine.
Molecular consequence: missense variant.
Genome position (GRCh38, 1-based): chr19:38,528,362, G>C. VCF-style: chr19-38528362-G-C. GRCh37 (hg19) VCF-style: chr19-39019002-G-C.
Other names: c.10866G>C, p.Gln3622His (NM_001042723.2); short protein forms Q3622H, Q3627H.
Identifiers: ClinVar variation 1000336 (VCV001000336.8), dbSNP rs1971573391, ClinGen allele CA405649481.

ClinVar aggregate classification (germline): Uncertain significance (1 of 4 stars; one submission).

Conditions:
RYR1-related disorder. Also called: RYR1-related condition; RYR1-related disorders. Identifiers: MedGen CN239331.

Submission:

Labcorp Genetics (formerly Invitae), Labcorp
Classification: Uncertain significance for RYR1-related disorder. Last evaluated: 2020-10-15. Review status: criteria provided, single submitter. Criteria: Invitae Variant Classification Sherloc (09022015). Collection method: clinical testing. Allele origin: germline.
Comment: Advanced modeling of protein sequence and biophysical properties (such as structural, functional, and spatial information, amino acid conservation, physicochemical variation, residue mobility, and thermodynamic stability) performed at Invitae indicates that this missense variant is expected to disrupt RYR1 protein function. In summary, the available evidence is currently insufficient to determine the role of this variant in disease. Therefore, it has been classified as a Variant of Uncertain Significance. This sequence change replaces glutamine with histidine at codon 3627 of the RYR1 protein (p.Gln3627His). The glutamine residue is highly conserved and there is a small physicochemical difference between glutamine and histidine. This variant is not present in population databases (ExAC no frequency). This variant has not been reported in the literature in individuals with RYR1-related conditions.